The following is an entry in ClinVar:

NM_152641.4(ARID2):c.905dup (p.Asn302fs)

Gene: ARID2 (AT-rich interaction domain 2; plus strand). Cytogenetic location: 12q12.
Variant type: Duplication.
Coding change: c.905dup on transcript NM_152641.4 (MANE Select); coding-DNA position 905, one base duplicated (A; older notation c.905dupA).
Protein change: p.Asn302fs; shifts the reading frame from asparagine 302.
Molecular consequence: frameshift variant.
Genome position (GRCh38, 1-based): chr12:45,836,873, A duplicated; the last of 2 consecutive A bases (chr12:45,836,872-45,836,873); duplicating either gives the same sequence. VCF-style (leftmost placement, unchanged base first): chr12-45836871-C-CA. GRCh37 (hg19) VCF-style: chr12-46230654-C-CA.
Other names: c.905dup, p.Asn302fs (NM_001347839.2); short protein forms N302fs.
Identifiers: ClinVar variation 504247 (VCV000504247.2), dbSNP rs1555152246, ClinGen allele CA658797894.

ClinVar aggregate classification (germline): Pathogenic (1 of 4 stars; one submission).

Submission:

GeneDx
Classification: Pathogenic. Last evaluated: 2018-02-05. Review status: criteria provided, single submitter. Criteria: GeneDx Variant Classification (06012015). Collection method: clinical testing. Allele origin: germline. Affected: yes.
Comment: The c.905dupA variant in the ARID2 gene has not been reported previously as a pathogenic variant nor as a benign variant, to our knowledge. The c.905dupA variant causes a frameshift starting with codon Asparagine 302, changes this amino acid to a Lysine residue, and creates a premature Stop codon at position 3 of the new reading frame, denoted p.Asn302LysfsX3. This variant is predicted to cause loss of normal protein function either through protein truncation or nonsense-mediated mRNA decay. The c.905dupA variant is not observed in large population cohorts (Lek et al., 2016). We interpret c.905dupA as a pathogenic variant.